The following is an entry in ClinVar:

ClinVar aggregate classification (germline): Likely benign. Review status: criteria provided, multiple submitters, no conflicts (2 of 4 stars). 2 submissions from 2 submitters: Likely benign (2). Last evaluated 2025-12-05.

Conditions:
PKD1-related disorder. Also called: PKD1-related condition.

gnomAD v4.1: 70 of 1,609,112 alleles (0.0044%); highest among the groups gnomAD compares: South Asian, 0.055%; 1 homozygote.

Submissions (2):

PreventionGenetics, part of Exact Sciences
Classification: Likely benign for PKD1-related condition. Last evaluated: 2025-12-05. Review status: criteria provided, single submitter. Criteria: ACMG Guidelines, 2015. Collection method: clinical testing. Allele origin: germline.
Comment: This variant is classified as likely benign based on ACMG/AMP sequence variant interpretation guidelines (Richards et al. 2015 PMID: 25741868, with internal and published modifications).

Blueprint Genetics
Classification: Likely benign. Last evaluated: 2024-03-28. Review status: criteria provided, single submitter. Criteria: ACMG Guidelines, 2015. Collection method: clinical testing. Allele origin: germline.

NM_001009944.3(PKD1):c.8838A>G (p.Leu2946=)

Gene: PKD1 (polycystin 1, transient receptor potential channel interacting; minus strand). Cytogenetic location: 16p13.3.
Variant type: single nucleotide variant.
Coding change: c.8838A>G on transcript NM_001009944.3 (MANE Select); coding-DNA position 8838, A replaced by G.
Protein change: p.Leu2946=; no amino-acid change (leucine 2946 retained).
Molecular consequence: synonymous variant.
Genome position (GRCh38, 1-based): chr16:2,102,924, T>C on the plus strand (A>G on the coding strand, the complement: PKD1 is on the minus strand). VCF-style: chr16-2102924-T-C. GRCh37 (hg19) VCF-style: chr16-2152925-T-C.
Other names: c.8838A>G, p.Leu2946= (NM_000296.4).
Identifiers: ClinVar variation 4927688 (VCV004927688.2).